The following is an entry in ClinVar:

NM_033026.6(PCLO):c.12206A>T (p.His4069Leu)

Gene: PCLO (piccolo presynaptic cytomatrix protein; minus strand). Cytogenetic location: 7q21.11.
Variant type: single nucleotide variant.
Coding change: c.12206A>T on transcript NM_033026.6 (MANE Select); coding-DNA position 12206, A replaced by T.
Protein change: p.His4069Leu; replaces histidine 4069 with leucine.
Molecular consequence: missense variant.
Genome position (GRCh38, 1-based): chr7:82,915,780, T>A on the plus strand (A>T on the coding strand, the complement: PCLO is on the minus strand). VCF-style: chr7-82915780-T-A. GRCh37 (hg19) VCF-style: chr7-82545096-T-A.
Other names: c.12206A>T, p.His4069Leu (NM_014510.3); short protein forms H4069L.
Identifiers: ClinVar variation 1417429 (VCV001417429.6), dbSNP rs1216909381, ClinGen allele CA367889572.

ClinVar aggregate classification (germline): Uncertain significance (1 of 4 stars; one submission).

Submission:

Labcorp Genetics (formerly Invitae), Labcorp
Classification: Uncertain significance. Last evaluated: 2021-09-21. Review status: criteria provided, single submitter. Criteria: Invitae Variant Classification Sherloc (09022015). Collection method: clinical testing. Allele origin: germline.
Comment: In summary, the available evidence is currently insufficient to determine the role of this variant in disease. Therefore, it has been classified as a Variant of Uncertain Significance. Algorithms developed to predict the effect of missense changes on protein structure and function are either unavailable or do not agree on the potential impact of this missense change (SIFT: "Tolerated"; PolyPhen-2: "Not Available"; Align-GVGD: "Class C0"). This variant has not been reported in the literature in individuals affected with PCLO-related conditions. This variant is not present in population databases (ExAC no frequency). This sequence change replaces histidine with leucine at codon 4069 of the PCLO protein (p.His4069Leu). The histidine residue is moderately conserved and there is a moderate physicochemical difference between histidine and leucine.